The following is an entry in ClinVar:

NM_004006.3(DMD):c.5427G>C (p.Glu1809Asp)

Gene: DMD (dystrophin; minus strand). Cytogenetic location: Xp21.1.
Variant type: single nucleotide variant.
Coding change: c.5427G>C on transcript NM_004006.3 (MANE Select); coding-DNA position 5427, G replaced by C.
Protein change: p.Glu1809Asp; replaces glutamic acid 1809 with aspartic acid.
Molecular consequence: missense variant.
Genome position (GRCh38, 1-based): chrX:32,348,427, C>G on the plus strand (G>C on the coding strand, the complement: DMD is on the minus strand). VCF-style: chrX-32348427-C-G. GRCh37 (hg19) VCF-style: chrX-32366544-C-G.
Other names: c.5403G>C, p.Glu1801Asp (NM_000109.4); c.5415G>C, p.Glu1805Asp (NM_004009.3); c.5058G>C, p.Glu1686Asp (NM_004010.3); c.1404G>C, p.Glu468Asp (NM_004011.4); c.1395G>C, p.Glu465Asp (NM_004012.4); short protein forms E1686D, E1801D, E1805D, E1809D, E465D, E468D.
Identifiers: ClinVar variation 1019814 (VCV001019814.9), dbSNP rs2097771126, ClinGen allele CA412667655.
Genomic context (GRCh38, chrX:32,348,427, plus strand): 5'-ACTCCTAGTTCATTCACACTTTTATCACAACCAATTTACCATATCTTTATTGAAGTCTTC[C>G]TCTTTCAGATTCACCCCCTGCTGAATTTCAGCCTCCAGTGGTTCAAGCAATTTTTGTATA-3'
Protein context (NP_003997.2, residues 1799-1819): AEIQQGVNLK[Glu1809Asp]EDFNKDMNED

ClinVar aggregate classification (germline): Uncertain significance (1 of 4 stars; one submission).

Conditions:
Duchenne muscular dystrophy (DMD). Also called: MUSCULAR DYSTROPHY, PSEUDOHYPERTROPHIC PROGRESSIVE, DUCHENNE TYPE; Duchenne Muscular Dystrophy (DMD). Identifiers: Orphanet 98896, MedGen C0013264, MONDO:0010679, OMIM 310200.

Allele frequency attached by ClinVar (database versions not stated): gnomAD exomes below 0.00001.
gnomAD v4.1: 1 of 1,208,705 alleles (0.000083%); highest among the groups gnomAD compares: African/African-American, 0.0017%; no homozygotes.

Submission:

Labcorp Genetics (formerly Invitae), Labcorp
Classification: Uncertain significance for Duchenne muscular dystrophy. Last evaluated: 2020-07-09. Review status: criteria provided, single submitter. Criteria: Invitae Variant Classification Sherloc (09022015). Collection method: clinical testing. Allele origin: germline.
Comment: In summary, the available evidence is currently insufficient to determine the role of this variant in disease. Therefore, it has been classified as a Variant of Uncertain Significance. Algorithms developed to predict the effect of missense changes on protein structure and function (SIFT, PolyPhen-2, Align-GVGD) all suggest that this variant is likely to be tolerated, but these predictions have not been confirmed by published functional studies and their clinical significance is uncertain. This variant has not been reported in the literature in individuals with DMD-related conditions. This variant is not present in population databases (ExAC no frequency). This sequence change replaces glutamic acid with aspartic acid at codon 1809 of the DMD protein (p.Glu1809Asp). The glutamic acid residue is highly conserved and there is a small physicochemical difference between glutamic acid and aspartic acid.